The following is an entry in ClinVar:

NM_005263.5(GFI1):c.220A>G (p.Ser74Gly)

Gene: GFI1 (growth factor independent 1 transcriptional repressor; minus strand). Cytogenetic location: 1p22.1.
Variant type: single nucleotide variant.
Coding change: c.220A>G on transcript NM_005263.5 (MANE Select); coding-DNA position 220, A replaced by G.
Protein change: p.Ser74Gly; replaces serine 74 with glycine.
Molecular consequence: missense variant.
Genome position (GRCh38, 1-based): chr1:92,482,942, T>C on the plus strand (A>G on the coding strand, the complement: GFI1 is on the minus strand). VCF-style: chr1-92482942-T-C. GRCh37 (hg19) VCF-style: chr1-92948499-T-C.
Other names: c.220A>G, p.Ser74Gly (NM_001127215.3, NM_001127216.3); short protein forms S74G.
Identifiers: ClinVar variation 4858069 (VCV004858069.1).

ClinVar aggregate classification (germline): Uncertain significance (1 of 4 stars; one submission).

Submission:

Ambry Genetics
Classification: Uncertain significance. Last evaluated: 2026-06-02. Review status: criteria provided, single submitter. Criteria: Ambry Variant Classification Scheme 2023. Collection method: clinical testing. Allele origin: germline.
Comment: The p.S74G variant (also known as c.220A>G), located in coding exon 2 of the GFI1 gene, results from an A to G substitution at nucleotide position 220. The serine at codon 74 is replaced by glycine, an amino acid with similar properties. This amino acid position is conserved. In addition, the in silico prediction for this alteration is inconclusive. Based on the available evidence, the clinical significance of this variant remains unclear.